The following is an entry in ClinVar:

NM_001783.4(CD79A):c.466_467delinsTT (p.Ala156Leu)

Genes: CD79A (CD79a molecule; plus strand), RPS19-CD79A (RPS19-CD79A readthrough; plus strand). Cytogenetic location: 19q13.2.
Variant type: Indel.
Coding change: c.466_467delinsTT on transcript NM_001783.4 (MANE Select); coding-DNA positions 466 to 467, GC replaced by TT.
Protein change: p.Ala156Leu; replaces alanine 156 with leucine.
Molecular consequence: missense variant.
Genome position (GRCh38, 1-based): chr19:41,879,621-41,879,622, GC replaced by TT. VCF-style: chr19-41879621-GC-TT. GRCh37 (hg19) VCF-style: chr19-42383691-GC-TT.
Other names: c.352_353delinsTT, p.Ala118Leu (NM_021601.4); short protein forms A118L, A156L.
Identifiers: ClinVar variation 1715132 (VCV001715132.3), dbSNP rs2513700397, ClinGen allele CA2580097360.

ClinVar aggregate classification (germline): Uncertain significance (1 of 4 stars; one submission).

Conditions:
Agammaglobulinemia 3, autosomal recessive (AGM3). Also called: AGAMMAGLOBULINEMIA 3; AGAMMAGLOBULINEMIA, AUTOSOMAL RECESSIVE, DUE TO CD79A DEFECT. Identifiers: MedGen C3150751, MONDO:0013288, OMIM 613501.

Submission:

Labcorp Genetics (formerly Invitae), Labcorp
Classification: Uncertain significance for Agammaglobulinemia 3, autosomal recessive. Last evaluated: 2022-08-05. Review status: criteria provided, single submitter. Criteria: Invitae Variant Classification Sherloc (09022015). Collection method: clinical testing. Allele origin: germline.
Comment: This sequence change replaces alanine, which is neutral and non-polar, with leucine, which is neutral and non-polar, at codon 156 of the CD79A protein (p.Ala156Leu). Information on the frequency of this variant in the gnomAD database is not available, as this variant may be reported differently in the database. This variant has not been reported in the literature in individuals affected with CD79A-related conditions. Algorithms developed to predict the effect of missense changes on protein structure and function are either unavailable or do not agree on the potential impact of this missense change (SIFT: "Not Available"; PolyPhen-2: "Possibly Damaging"; Align-GVGD: "Not Available"). In summary, the available evidence is currently insufficient to determine the role of this variant in disease. Therefore, it has been classified as a Variant of Uncertain Significance.